The following is an entry in ClinVar:

ClinVar aggregate classification (germline): Pathogenic/Likely pathogenic. Review status: criteria provided, multiple submitters, no conflicts (2 of 4 stars). 8 submissions from 8 submitters: Pathogenic (4); Likely pathogenic (3). 1 of the submissions does not count toward it. Last evaluated 2025-06-02.

Conditions:
BODY MASS INDEX QUANTITATIVE TRAIT LOCUS 20 (BMIQ20). Also called: MELANOCORTIN 4 RECEPTOR DEFICIENCY; MC4R DEFICIENCY. Identifiers: MedGen C4759928, OMIM 618406.
MC4R-related disorder. Also called: MC4R-related condition.
Early onset severe obesity. Identifiers: MedGen C4013980.

Allele frequency attached by ClinVar (database versions not stated): gnomAD exomes below 0.00001; TOPMed below 0.00001.

Submissions (8):

GeneDx
Classification: Likely pathogenic. Last evaluated: 2025-06-02. Review status: criteria provided, single submitter. Criteria: GeneDx Variant Classification Process June 2021. Collection method: clinical testing. Allele origin: germline. Affected: yes.
Comment: Identified in the homozygous and heterozygous state in individuals with obesity, although some heterozygous individuals were of normal weight (PMID: 18777518, 14504270, 18559663, 37329217); Published functional studies demonstrate a damaging effect as in vitro studies have shown that C271R results in decreased cell surface expression and lower affinity to MC4R agonists (PMID: 20462274, 14504270); In silico analysis supports that this missense variant has a deleterious effect on protein structure/function; This variant is associated with the following publications: (PMID: 18559663, 14504270, 12646665, 17628007, 20462274, 37953587, 37329217, 37659411, 18777518, 39414991)

Cambridge Genomics Laboratory, East Genomic Laboratory Hub, NHS Genomic Medicine Service
Classification: Pathogenic for Severe early-onset obesity. Last evaluated: 2025-04-11. Review status: criteria provided, single submitter. Criteria: ACGS Best Practice Guidelines for Variant Classification in Rare Disease 2020. Collection method: clinical testing. Allele origin: germline. Affected: yes.
Comment: PS3_Moderate,PM1_Supporting,PM2,PP1_Strong,PP3

Variantyx, Inc.
Classification: Pathogenic for BODY MASS INDEX QUANTITATIVE TRAIT LOCUS 20. Last evaluated: 2025-04-09. Review status: criteria provided, single submitter. Criteria: Variantyx Assertion Criteria 2022. Collection method: clinical testing. Allele origin: germline. Inheritance: Semidominant inheritance. Affected: no.
Comment: This is a nonsynonymous variant in the MC4R gene (OMIM: 155541). Pathogenic variants in this gene have been associated with autosomal semidominant obesity (BMIQ20). This variant has been identified in the homozygous or compound heterozygous state in at least 10 individuals reported in the published literature (PMID: 12646665, 14504270, 18777518) (PM3) and it has been observed to segregate with disease in at least 6 individuals from 2 families (PMID: 14504270, 18777518) (PP1). Functional studies have shown that this variant alters MC4R protein function (PMID: 14504270, 20462274) (PS3_Moderate), and multiple computational algorithms predict a deleterious effect for this variant (REVEL score: 0.844) (PP3). Mopreover, an alternate amino acid change at this position (p.Cys271Tyr) has been previously reported in similarly affected individuals, which suggests that this residue is biologically important (PMID: 12646665) (PM5). This variant has a 0.0060% maximum allele frequency in non-founder control populations (PM2). Based on the current evidence, this variant is classified as pathogenic for autosomal semidominant obesity (BMIQ20).

PreventionGenetics, part of Exact Sciences
Classification: Likely pathogenic for MC4R-related condition. Last evaluated: 2024-11-19. Review status: criteria provided, single submitter. Criteria: ACMG Guidelines, 2015. Collection method: clinical testing. Allele origin: germline.
Comment: The MC4R c.811T>C variant is predicted to result in the amino acid substitution p.Cys271Arg. This variant has been reported predominantly in the homozygous state in individuals with an obesity phenotype, though obesity phenotypes in heterozygotes have been reported (Tarnow et al. 2003. PubMed ID: 14504270; Farooqi et al. 2003. PubMed ID: 12646665; Stutzmann et al. 2008. PubMed ID: 18559663; Agranat-Meged et al. 2008. PubMed ID: 18777518). Functional studies have also revealed this variant impacts MC4R cell surface expression and receptor affinity to an agonist (Xiang et al. 2010. PubMed ID: 20462274; Tarnow et al. 2003. PubMed ID: 14504270). Other variants impacting the same residue (p.Cys271Tyr, p.Cys271Phe) have also been reported in individuals with obesity phenotypes (Calton et al. 2009. PubMed ID: 19091795; Farooqi et al. 2003. PubMed ID: 12646665). This variant is reported in 0.0062% of alleles in individuals of African descent in gnomAD. Taken together, we interpret this variant as likely pathogenic.

Revvity Omics, Revvity
Classification: Pathogenic for BODY MASS INDEX QUANTITATIVE TRAIT LOCUS 20. Last evaluated: 2024-11-14. Review status: criteria provided, single submitter. Criteria: ACMG Guidelines, 2015. Collection method: clinical testing. Allele origin: germline.

3billion
Classification: Pathogenic for BODY MASS INDEX QUANTITATIVE TRAIT LOCUS 20. Last evaluated: 2024-01-18. Review status: criteria provided, single submitter. Criteria: ACMG Guidelines, 2015. Collection method: clinical testing. Allele origin: germline. Affected: yes.
Comment: The variant is observed at an extremely low frequency in the gnomAD v2.1.1 dataset (total allele frequency: <0.001%). Predicted Consequence/Location: Missense changes are a common disease-causing mechanism. Functional studies provide strong evidence of the variant having a damaging effect on the gene or gene product (PMID: 12646665, 14504270, 20462274). In silico tool predictions suggest damaging effect of the variant on gene or gene product [REVEL: 0.84 (>=0.6, sensitivity 0.68 and specificity 0.92); 3Cnet: 0.83 (>=0.6, sensitivity 0.72 and precision 0.9)]. Same nucleotide change resulting in same amino acid change has been previously reported as pathogenic/likely pathogenic with strong evidence (ClinVar ID: VCV000372803 /PMID: 12646665 /3billion dataset). The variant has been observed in multiple (>3) similarly affected unrelated individuals (PMID: 14504270, 18777518). The variant has been reported to be in trans with a pathogenic variant as either compound heterozygous or homozygous in at least one similarly affected unrelated individual (PMID: 14504270, 18777518). The variant has been reported to co-segregate with the disease in at least 7 similarly affected relatives/individuals in at least two unrelated families (PMID: 12646665, 14504270, 18777518). Different missense changes at the same codon (p.Cys271Phe, p.Cys271Tyr) have been reported as pathogenic/likely pathogenic with strong evidence (ClinVar ID: VCV000014329 /PMID: 10903343, 19091795). Therefore, this variant is classified as Pathogenic according to the recommendation of ACMG/AMP guideline.

CeGaT Center for Human Genetics Tuebingen
Classification: Likely pathogenic. Last evaluated: 2023-05-01. Review status: criteria provided, single submitter. Criteria: CeGaT Center For Human Genetics Tuebingen Variant Classification Criteria Version 2. Collection method: clinical testing. Allele origin: germline. Affected: yes. Observed: 1 variant allele.
Comment: MC4R: PM2, PM5, PS4:Moderate, PP3, PS3:Supporting

Equipe Genetique des Anomalies du Developpement, Université de Bourgogne
Classification: Pathogenic for BODY MASS INDEX QUANTITATIVE TRAIT LOCUS 20. Last evaluated: 2021-10-19. Review status: no assertion criteria provided. Criteria: ACMG Guidelines, 2016. Collection method: clinical testing. Allele origin: paternal. Affected: yes. Not counted in ClinVar's aggregate classification.

Literature cited by the submitters: PubMed 12646665 (cited by Variantyx, Inc. and 3billion); PubMed 14504270 (cited by Variantyx, Inc. and 3billion); PubMed 18777518 (cited by Variantyx, Inc. and 3billion); PubMed 20462274 (cited by Variantyx, Inc. and 3billion); PubMed 10903343 (cited by 3billion).

NM_005912.3(MC4R):c.811T>C (p.Cys271Arg)

Gene: MC4R (melanocortin 4 receptor; minus strand). Cytogenetic location: 18q21.32.
Variant type: single nucleotide variant.
Coding change: c.811T>C on transcript NM_005912.3 (MANE Select); coding-DNA position 811, T replaced by C.
Protein change: p.Cys271Arg; replaces cysteine 271 with arginine.
Molecular consequence: missense variant.
Genome position (GRCh38, 1-based): chr18:60,371,539, A>G on the plus strand (T>C on the coding strand, the complement: MC4R is on the minus strand). VCF-style: chr18-60371539-A-G. GRCh37 (hg19) VCF-style: chr18-58038772-A-G.
Other names: short protein forms C271R.
Identifiers: ClinVar variation 372803 (VCV000372803.39), dbSNP rs1057517991, ClinGen allele CA16043070.